The following is an entry in ClinVar:

ClinVar aggregate classification (germline): Uncertain significance. Review status: criteria provided, multiple submitters, no conflicts (2 of 4 stars). 2 submissions from 2 submitters: Uncertain significance (2). Last evaluated 2025-11-02.

Conditions:
Inborn genetic diseases. Identifiers: MedGen C0950123, MeSH D030342.

Submissions (2):

Labcorp Genetics (formerly Invitae), Labcorp
Classification: Uncertain significance. Last evaluated: 2025-11-02. Review status: criteria provided, single submitter. Criteria: Invitae Variant Classification Sherloc (09022015). Collection method: clinical testing. Allele origin: germline.
Comment: This sequence change replaces asparagine, which is neutral and polar, with serine, which is neutral and polar, at codon 52 of the AFG3L2 protein (p.Asn52Ser). This variant is present in population databases (rs778950401, gnomAD 0.02%). This variant has not been reported in the literature in individuals affected with AFG3L2-related conditions. ClinVar contains an entry for this variant (Variation ID: 3504559). Invitae Evidence Modeling of protein sequence and biophysical properties (such as structural, functional, and spatial information, amino acid conservation, physicochemical variation, residue mobility, and thermodynamic stability) indicates that this missense variant is not expected to disrupt AFG3L2 protein function with a negative predictive value of 95%. In summary, the available evidence is currently insufficient to determine the role of this variant in disease. Therefore, it has been classified as a Variant of Uncertain Significance.

Ambry Genetics
Classification: Uncertain significance for Inborn genetic diseases. Last evaluated: 2024-09-25. Review status: criteria provided, single submitter. Criteria: Ambry Variant Classification Scheme 2023. Collection method: clinical testing. Allele origin: germline.

NM_006796.3(AFG3L2):c.155A>G (p.Asn52Ser)

Gene: AFG3L2 (AFG3 like matrix AAA peptidase subunit 2; minus strand). Cytogenetic location: 18p11.21.
Variant type: single nucleotide variant.
Coding change: c.155A>G on transcript NM_006796.3 (MANE Select); coding-DNA position 155, A replaced by G.
Protein change: p.Asn52Ser; replaces asparagine 52 with serine.
Molecular consequence: missense variant.
Genome position (GRCh38, 1-based): chr18:12,371,651, T>C on the plus strand (A>G on the coding strand, the complement: AFG3L2 is on the minus strand). VCF-style: chr18-12371651-T-C. GRCh37 (hg19) VCF-style: chr18-12371650-T-C.
Other names: short protein forms N52S.
Identifiers: ClinVar variation 3504559 (VCV003504559.2).